The following is an entry in ClinVar:

NM_001845.6(COL4A1):c.4049G>C (p.Gly1350Ala)

Gene: COL4A1 (collagen type IV alpha 1 chain; minus strand). Cytogenetic location: 13q34.
Variant type: single nucleotide variant.
Coding change: c.4049G>C on transcript NM_001845.6 (MANE Select); coding-DNA position 4049, G replaced by C.
Protein change: p.Gly1350Ala; replaces glycine 1350 with alanine.
Molecular consequence: missense variant.
Genome position (GRCh38, 1-based): chr13:110,164,963, C>G on the plus strand (G>C on the coding strand, the complement: COL4A1 is on the minus strand). VCF-style: chr13-110164963-C-G. GRCh37 (hg19) VCF-style: chr13-110817310-C-G.
Other names: short protein forms G1350A.
Identifiers: ClinVar variation 3236088 (VCV003236088.1), dbSNP rs2139149340, ClinGen allele CA388660275.
Genomic context (GRCh38, chr13:110,164,963, plus strand): 5'-AGCCCTGGGGGGCCCTCAGGACCAGGGAGCCCGGGCTCCCCTTTGATGATGTCGTAAGGA[C>G]CTGGGGGGCCAGGAGGACCCGGGAGACCTGTGGGAATAGGGAAGGCATTGATCAATTTCA-3'
Protein context (NP_001836.3, residues 1340-1360): KGLPGPPGPP[Gly1350Ala]PYDIIKGEPG

ClinVar aggregate classification (germline): Uncertain significance (1 of 4 stars; one submission).

Conditions:
Autosomal dominant familial hematuria-retinal arteriolar tortuosity-contractures syndrome. Also called: Angiopathy, hereditary, with nephropathy, aneurysms, and muscle cramps; Hereditary Angiopathy with Nephropathy, Aneurysms, and Muscle Cramps (HANAC) Syndrome. Identifiers: Orphanet 73229, MedGen C2673195, MONDO:0012726, OMIM 611773.

Allele frequency attached by ClinVar (database versions not stated): gnomAD exomes below 0.00001.
gnomAD v4.1: 1 of 1,604,966 alleles (0.000062%); highest among the groups gnomAD compares: Non-Finnish European, 0.000085%; no homozygotes.

Submission:

MVZ Medizinische Genetik Mainz
Classification: Uncertain significance for Autosomal dominant familial hematuria-retinal arteriolar tortuosity-contractures syndrome. Last evaluated: 2023-09-27. Review status: criteria provided, single submitter. Criteria: UK Practice Guidelines For Variant Classification V4 01 2020. Collection method: clinical testing. Allele origin: germline. Inheritance: Autosomal dominant inheritance. Affected: yes. Observed: 1 variant allele.
Comment: ACMG Criteria: PM1,PP3_MOD,PM2_SUP